The following is an entry in ClinVar:

NM_001851.6(COL9A1):c.2204G>A (p.Arg735Gln)

Gene: COL9A1 (collagen type IX alpha 1 chain; minus strand). Cytogenetic location: 6q13.
Variant type: single nucleotide variant.
Coding change: c.2204G>A on transcript NM_001851.6 (MANE Select); coding-DNA position 2204, G replaced by A.
Protein change: p.Arg735Gln; replaces arginine 735 with glutamine.
Molecular consequence: missense variant. On other transcripts: non-coding transcript variant (1), intron variant (1).
Genome position (GRCh38, 1-based): chr6:70,234,849, C>T on the plus strand (G>A on the coding strand, the complement: COL9A1 is on the minus strand). VCF-style: chr6-70234849-C-T. GRCh37 (hg19) VCF-style: chr6-70944552-C-T.
Other names: c.1505G>A, p.Arg502Gln (NM_001377289.1); c.1475G>A, p.Arg492Gln (NM_078485.4); c.1384-256G>A (NM_001377290.1); short protein forms R492Q, R502Q, R735Q.
Identifiers: ClinVar variation 1317691 (VCV001317691.7), dbSNP rs769986009, ClinGen allele CA3881834.

ClinVar aggregate classification (germline): Uncertain significance. Review status: criteria provided, multiple submitters, no conflicts (2 of 4 stars). 2 submissions from 2 submitters: Uncertain significance (2). Last evaluated 2023-05-15.

Allele frequency attached by ClinVar (database versions not stated): ExAC 0.00001; gnomAD exomes 0.00001 and 0.00003; gnomAD 0.00002.
gnomAD v4.1: 50 of 1,613,992 alleles (0.0031%); highest among the groups gnomAD compares: East Asian, 0.022%; no homozygotes.

Submissions (2):

Labcorp Genetics (formerly Invitae), Labcorp
Classification: Uncertain significance. Last evaluated: 2023-05-15. Review status: criteria provided, single submitter. Criteria: Invitae Variant Classification Sherloc (09022015). Collection method: clinical testing. Allele origin: germline.
Comment: In summary, the available evidence is currently insufficient to determine the role of this variant in disease. Therefore, it has been classified as a Variant of Uncertain Significance. Advanced modeling of protein sequence and biophysical properties (such as structural, functional, and spatial information, amino acid conservation, physicochemical variation, residue mobility, and thermodynamic stability) performed at Invitae indicates that this missense variant is not expected to disrupt COL9A1 protein function. ClinVar contains an entry for this variant (Variation ID: 1317691). This variant has not been reported in the literature in individuals affected with COL9A1-related conditions. This variant is present in population databases (rs769986009, gnomAD 0.002%). This sequence change replaces arginine, which is basic and polar, with glutamine, which is neutral and polar, at codon 735 of the COL9A1 protein (p.Arg735Gln).

GeneDx
Classification: Uncertain significance. Last evaluated: 2019-08-30. Review status: criteria provided, single submitter. Criteria: GeneDx Variant Classification Process June 2021. Collection method: clinical testing. Allele origin: germline. Affected: yes.
Comment: Has not been previously published as pathogenic or benign to our knowledge; Not observed at a significant frequency in large population cohorts (Lek et al., 2016); In silico analysis, which includes protein predictors and evolutionary conservation, supports that this variant does not alter protein structure/function